The following is an entry in ClinVar:

ClinVar aggregate classification (germline): Uncertain significance (1 of 4 stars; one submission).

Conditions:
Emery-Dreifuss muscular dystrophy 4, autosomal dominant (EDMD4). Also called: EMERY-DREIFUSS MUSCULAR DYSTROPHY 4 WITH VARIABLE FEATURES. Identifiers: Orphanet 261, MedGen C2751807, MONDO:0013071, OMIM 612998.
Autosomal recessive ataxia, Beauce type. Also called: Spinocerebellar ataxia, autosomal recessive 8; ATAXIA, RECESSIVE, OF BEAUCE; SYNE1-Related Autosomal Recessive Cerebellar Ataxia; SYNE1 Deficiency. Identifiers: Orphanet 88644, MedGen C1853116, MONDO:0012549, OMIM 610743.

Submission:

Labcorp Genetics (formerly Invitae), Labcorp
Classification: Uncertain significance for Emery-Dreifuss muscular dystrophy 4, autosomal dominant; Autosomal recessive ataxia, Beauce type. Last evaluated: 2024-04-09. Review status: criteria provided, single submitter. Criteria: Invitae Variant Classification Sherloc (09022015). Collection method: clinical testing. Allele origin: germline.
Comment: This sequence change replaces lysine, which is basic and polar, with glutamic acid, which is acidic and polar, at codon 4628 of the SYNE1 protein (p.Lys4628Glu). This variant is not present in population databases (gnomAD no frequency). This variant has not been reported in the literature in individuals affected with SYNE1-related conditions. An algorithm developed to predict the effect of missense changes on protein structure and function (PolyPhen-2) suggests that this variant is likely to be tolerated. In summary, the available evidence is currently insufficient to determine the role of this variant in disease. Therefore, it has been classified as a Variant of Uncertain Significance.

NM_182961.4(SYNE1):c.14095A>G (p.Lys4699Glu)

Gene: SYNE1 (spectrin repeat containing nuclear envelope protein 1; minus strand). Cytogenetic location: 6q25.2.
Variant type: single nucleotide variant.
Coding change: c.14095A>G on transcript NM_182961.4 (MANE Select); coding-DNA position 14095, A replaced by G.
Protein change: p.Lys4699Glu; replaces lysine 4699 with glutamic acid.
Molecular consequence: missense variant.
Genome position (GRCh38, 1-based): chr6:152,330,590, T>C on the plus strand (A>G on the coding strand, the complement: SYNE1 is on the minus strand). VCF-style: chr6-152330590-T-C. GRCh37 (hg19) VCF-style: chr6-152651725-T-C.
Other names: c.13882A>G, p.Lys4628Glu (NM_033071.5); short protein forms K4628E, K4699E.
Identifiers: ClinVar variation 3749138 (VCV003749138.2).